The following is an entry in ClinVar:

NM_004525.3(LRP2):c.13820A>T (p.Glu4607Val)

Gene: LRP2 (LDL receptor related protein 2; minus strand). Cytogenetic location: 2q31.1.
Variant type: single nucleotide variant.
Coding change: c.13820A>T on transcript NM_004525.3 (MANE Select); coding-DNA position 13820, A replaced by T.
Protein change: p.Glu4607Val; replaces glutamic acid 4607 with valine.
Molecular consequence: missense variant.
Genome position (GRCh38, 1-based): chr2:169,128,811, T>A on the plus strand (A>T on the coding strand, the complement: LRP2 is on the minus strand). VCF-style: chr2-169128811-T-A. GRCh37 (hg19) VCF-style: chr2-169985321-T-A.
Other names: short protein forms E4607V.
Identifiers: ClinVar variation 2074924 (VCV002074924.2), dbSNP rs202155452, ClinGen allele CA1952403.

ClinVar aggregate classification (germline): Uncertain significance. Review status: criteria provided, multiple submitters, no conflicts (2 of 4 stars). 2 submissions from 2 submitters: Uncertain significance (2). Last evaluated 2024-04-27.

Conditions:
Donnai-Barrow syndrome. Also called: DBS/FOAR SYNDROME; FACIOOCULOACOUSTICORENAL SYNDROME. Identifiers: Orphanet 2143, MedGen C1857277, MONDO:0009104, OMIM 222448.

Allele frequency attached by ClinVar (database versions not stated): ExAC 0.00001; gnomAD 0.00002; TOPMed 0.00002; 1000 Genomes Project 30x 0.00016; 1000 Genomes Project 0.00020.
gnomAD v4.1: 3 of 1,614,106 alleles (0.00019%); highest among the groups gnomAD compares: African/African-American, 0.0013%; no homozygotes.

Submissions (2):

Fulgent Genetics
Classification: Uncertain significance for Donnai-Barrow syndrome. Last evaluated: 2024-04-27. Review status: criteria provided, single submitter. Criteria: ACMG Guidelines, 2015. Collection method: clinical testing. Allele origin: germline.

Labcorp Genetics (formerly Invitae), Labcorp
Classification: Uncertain significance. Last evaluated: 2022-06-07. Review status: criteria provided, single submitter. Criteria: Invitae Variant Classification Sherloc (09022015). Collection method: clinical testing. Allele origin: germline.
Comment: This sequence change replaces glutamic acid, which is acidic and polar, with valine, which is neutral and non-polar, at codon 4607 of the LRP2 protein (p.Glu4607Val). This variant is present in population databases (rs202155452, gnomAD 0.002%). This variant has not been reported in the literature in individuals affected with LRP2-related conditions. Advanced modeling of protein sequence and biophysical properties (such as structural, functional, and spatial information, amino acid conservation, physicochemical variation, residue mobility, and thermodynamic stability) performed at Invitae indicates that this missense variant is not expected to disrupt LRP2 protein function. Algorithms developed to predict the effect of sequence changes on RNA splicing suggest that this variant may create or strengthen a splice site. In summary, the available evidence is currently insufficient to determine the role of this variant in disease. Therefore, it has been classified as a Variant of Uncertain Significance.